The following is an entry in ClinVar:

ClinVar aggregate classification (germline): Pathogenic. Review status: criteria provided, single submitter (1 of 4 stars). 2 submissions from 2 submitters: Pathogenic (1). 1 of the submissions does not count toward it. Last evaluated 2017-12-14.

Conditions:
AHDC1-related intellectual disability - obstructive sleep apnea - mild dysmorphism syndrome. Also called: Xia-Gibbs syndrome. Identifiers: Orphanet 412069, MedGen C4014419, MONDO:0014358, OMIM 615829.

Submissions (2):

GeneDx
Classification: Pathogenic. Last evaluated: 2017-12-14. Review status: criteria provided, single submitter. Criteria: GeneDx Variant Classification (06012015). Collection method: clinical testing. Allele origin: germline. Affected: yes.
Comment: The Q327X variant in the AHDC1 gene has not been reported previously as a pathogenic variant nor as a benign variant, to our knowledge. This variant is predicted to cause loss of normal protein function either through protein truncation or nonsense-mediated mRNA decay. The Q327X variant is not observed in large population cohorts (Lek et al., 2016; 1000 Genomes Consortium et al., 2015; Exome Variant Server). We interpret Q327X as a likely pathogenic variant.

Human Genome Sequencing Center Clinical Lab, Baylor College of Medicine
Classification: Pathogenic for AHDC1-related intellectual disability - obstructive sleep apnea - mild dysmorphism syndrome. Review status: no assertion criteria provided. Collection method: clinical testing. Allele origin: de novo. Affected: yes. Not counted in ClinVar's aggregate classification.

NM_001371928.1(AHDC1):c.979C>T (p.Gln327Ter)

Gene: AHDC1 (AT-hook DNA binding motif containing 1; minus strand). Cytogenetic location: 1p36.11.
Variant type: single nucleotide variant.
Coding change: c.979C>T on transcript NM_001371928.1 (MANE Select); coding-DNA position 979, C replaced by T.
Protein change: p.Gln327Ter; replaces glutamine 327 with a stop codon.
Molecular consequence: nonsense.
Genome position (GRCh38, 1-based): chr1:27,551,137, G>A on the plus strand (C>T on the coding strand, the complement: AHDC1 is on the minus strand). VCF-style: chr1-27551137-G-A. GRCh37 (hg19) VCF-style: chr1-27877648-G-A.
Other names: c.979C>T, p.Gln327Ter (NM_001029882.3); short protein forms Q327*.
Identifiers: ClinVar variation 450264 (VCV000450264.4), dbSNP rs1553159753, ClinGen allele CA339235621.